The following is an entry in ClinVar:

ClinVar aggregate classification (germline): Uncertain significance (1 of 4 stars; one submission).

Submission:

GeneDx
Classification: Uncertain significance. Last evaluated: 2024-06-11. Review status: criteria provided, single submitter. Criteria: GeneDx Variant Classification Process June 2021. Collection method: clinical testing. Allele origin: germline. Affected: yes.
Comment: Not observed at significant frequency in large population cohorts (gnomAD); Frameshift variant predicted to result in abnormal protein length as the last 12 amino acids are replaced with 26 different amino acids; Has not been previously published as pathogenic or benign to our knowledge

NM_003128.3(SPTBN1):c.7058_7059del (p.Lys2353fs)

Genes: SPTBN1 (spectrin beta, non-erythrocytic 1; plus strand), SPTBN1-AS2 (SPTBN1 antisense RNA 2; minus strand). Cytogenetic location: 2p16.2.
Variant type: Deletion.
Coding change: c.7058_7059del on transcript NM_003128.3 (MANE Select); coding-DNA positions 7058 to 7059, 2 bases deleted (AA; older notation c.7058_7059delAA).
Protein change: p.Lys2353fs; shifts the reading frame from lysine 2353.
Molecular consequence: frameshift variant.
Genome position (GRCh38, 1-based): chr2:54,668,532-54,668,533, AA deleted; deleting any 2 consecutive bases within chr2:54,668,531-54,668,533 gives the same sequence; the c. name uses the placement nearest the transcript's 3' end. VCF-style (leftmost placement, unchanged base first): chr2-54668530-CAA-C. GRCh37 (hg19) VCF-style: chr2-54895667-CAA-C.
Other names: short protein forms K2353fs.
Identifiers: ClinVar variation 3390820 (VCV003390820.1).